The following is an entry in ClinVar:

NM_057176.3(BSND):c.500G>T (p.Gly167Val)

Gene: BSND (barttin CLCNK type accessory subunit beta; plus strand). Cytogenetic location: 1p32.3.
Variant type: single nucleotide variant.
Coding change: c.500G>T on transcript NM_057176.3 (MANE Select); coding-DNA position 500, G replaced by T.
Protein change: p.Gly167Val; replaces glycine 167 with valine.
Molecular consequence: missense variant.
Genome position (GRCh38, 1-based): chr1:55,007,224, G>T. VCF-style: chr1-55007224-G-T. GRCh37 (hg19) VCF-style: chr1-55472897-G-T.
Other names: short protein forms G167V.
Identifiers: ClinVar variation 1704045 (VCV001704045.2), dbSNP rs769806934, ClinGen allele CA871349.
Genomic context (GRCh38, chr1:55,007,224, plus strand): 5'-GAGAAGGTGGCCCTGGCGACGTTCAGGCCTGGATGGAGGCTGCCGTGGTCATCCACAAGG[G>T]CTCAGACGAGAGTGAAGGGGAAAGACGCCTAACTCAGAGCTGGCCCGGGTGAGTGCTTAG-3'
Protein context (NP_476517.1, residues 157-177): WMEAAVVIHK[Gly167Val]SDESEGERRL

ClinVar aggregate classification (germline): Uncertain significance (1 of 4 stars; one submission).

Allele frequency attached by ClinVar (database versions not stated): TOPMed below 0.00001; gnomAD 0.00001; ExAC 0.00002.
gnomAD v4.1: 30 of 1,613,136 alleles (0.0019%); highest among the groups gnomAD compares: Non-Finnish European, 0.0025%; no homozygotes.

Submission:

GeneDx
Classification: Uncertain significance. Last evaluated: 2022-03-04. Review status: criteria provided, single submitter. Criteria: GeneDx Variant Classification Process June 2021. Collection method: clinical testing. Allele origin: germline. Affected: yes.
Comment: Not observed at significant frequency in large population cohorts (gnomAD); In silico analysis supports that this missense variant has a deleterious effect on protein structure/function; Has not been previously published as pathogenic or benign to our knowledge